The following is an entry in ClinVar:

NM_000383.4(AIRE):c.685del (p.Glu229fs)

Gene: AIRE (autoimmune regulator; plus strand). Cytogenetic location: 21q22.3.
Variant type: Deletion.
Coding change: c.685del on transcript NM_000383.4 (MANE Select); coding-DNA position 685, one base deleted (G; older notation c.685delG).
Protein change: p.Glu229fs; shifts the reading frame from glutamic acid 229.
Molecular consequence: frameshift variant.
Genome position (GRCh38, 1-based): chr21:44,289,689, G deleted; the last of 4 consecutive G bases (chr21:44,289,686-44,289,689); deleting any one gives the same sequence. VCF-style (leftmost placement, unchanged base first): chr21-44289685-CG-C. GRCh37 (hg19) VCF-style: chr21-45709568-CG-C.
Other names: short protein forms E229fs.
Identifiers: ClinVar variation 1724973 (VCV001724973.2), dbSNP rs2517880405, ClinGen allele CA2580098788.

ClinVar aggregate classification (germline): Likely pathogenic (1 of 4 stars; one submission).

Conditions:
Polyglandular autoimmune syndrome, type 1 (APS1). Also called: HYPOADRENOCORTICISM WITH HYPOPARATHYROIDISM AND SUPERFICIAL MONILIASIS; Whitaker syndrome; AUTOIMMUNE POLYENDOCRINE SYNDROME, TYPE I, WITH OR WITHOUT REVERSIBLE METAPHYSEAL DYSPLASIA; Autoimmune polyendocrine syndrome type 1; APS I; Autoimmune polyendocrinopathy syndrome, type I. Identifiers: Orphanet 3453, MedGen C0085859, MONDO:0009411, OMIM 240300.

Submission:

Myriad Genetics, Inc.
Classification: Likely pathogenic for Polyglandular autoimmune syndrome, type 1. Last evaluated: 2022-03-03. Review status: criteria provided, single submitter. Criteria: Myriad Women's Health Autosomal Recessive and X-Linked Classification Criteria (2021). Collection method: clinical testing. Allele origin: unknown.
Comment: NM_000383.3(AIRE):c.685delG(E229Sfs*149) is expected to be pathogenic in the context of autoimmune polyglandular syndrome type 1. This variant is predicted to lead to an abnormal or absent protein product due to the creation of a premature termination codon in AIRE, a gene where loss-of-function variants are known to be pathogenic. Please note: this variant was assessed in the context of healthy population screening.